The following is an entry in ClinVar:

ClinVar aggregate classification (germline): Uncertain significance (1 of 4 stars; one submission).

Conditions:
ENHANCED S-CONE SYNDROME 1 (ESCS1). Also called: RETINOSCHISIS WITH EARLY HEMERALOPIA; FAVRE HYALOIDEORETINAL DEGENERATION. Identifiers: MedGen CN380299, OMIM 268100.

gnomAD v4.1: 23 of 1,576,462 alleles (0.0015%); highest among the groups gnomAD compares: Non-Finnish European, 0.002%; no homozygotes.

Submission:

Myriad Genetics, Inc.
Classification: Uncertain significance for ENHANCED S-CONE SYNDROME 1. Last evaluated: 2026-06-25. Review status: criteria provided, single submitter. Criteria: Myriad Autosomal Dominant, Autosomal Recessive and X-Linked Classification Criteria (2023). Collection method: clinical testing. Allele origin: unknown.
Comment: NM_014249.2(NR2E3):c.40G>A(A14T) is a missense variant classified as a variant of uncertain significance in the context of enhanced S-cone syndrome. A14T has not been observed in cases with relevant disease. Relevant functional assessments of this variant are not available in the literature. A14T has not been observed in referenced population frequency databases. In summary, there is insufficient evidence to classify NM_014249.2(NR2E3):c.40G>A(A14T) as pathogenic or benign. Please note: this variant was assessed in the context of healthy population screening.

NM_014249.4(NR2E3):c.40G>A (p.Ala14Thr)

Gene: NR2E3 (nuclear receptor subfamily 2 group E member 3; plus strand). Cytogenetic location: 15q23.
Variant type: single nucleotide variant.
Coding change: c.40G>A on transcript NM_014249.4 (MANE Select); coding-DNA position 40, G replaced by A.
Protein change: p.Ala14Thr; replaces alanine 14 with threonine.
Molecular consequence: missense variant.
Genome position (GRCh38, 1-based): chr15:71,810,783, G>A. VCF-style: chr15-71810783-G-A. GRCh37 (hg19) VCF-style: chr15-72103123-G-A.
Other names: c.40G>A, p.Ala14Thr (NM_016346.4); short protein forms A14T.
Identifiers: ClinVar variation 5003468 (VCV005003468.1).